The following is an entry in ClinVar:

NM_203446.3(SYNJ1):c.3832C>A (p.Pro1278Thr)

Gene: SYNJ1 (synaptojanin 1; minus strand). Cytogenetic location: 21q22.11.
Variant type: single nucleotide variant.
Coding change: c.3832C>A on transcript NM_203446.3 (MANE Select); coding-DNA position 3832, C replaced by A.
Protein change: p.Pro1278Thr; replaces proline 1278 with threonine.
Molecular consequence: missense variant.
Genome position (GRCh38, 1-based): chr21:32,638,991, G>T on the plus strand (C>A on the coding strand, the complement: SYNJ1 is on the minus strand). VCF-style: chr21-32638991-G-T. GRCh37 (hg19) VCF-style: chr21-34011301-G-T.
Other names: c.3784C>A, p.Pro1262Thr (NM_001160302.2); c.3691C>A, p.Pro1231Thr (NM_001160306.2); c.3949C>A, p.Pro1317Thr (NM_003895.4); short protein forms P1231T, P1262T, P1278T, P1317T.
Identifiers: ClinVar variation 1056884 (VCV001056884.4), dbSNP rs371076175, ClinGen allele CA319456286.

ClinVar aggregate classification (germline): Uncertain significance (1 of 4 stars; one submission).

Conditions:
Developmental and epileptic encephalopathy, 53. Also called: Epileptic encephalopathy, early infantile, 53. Identifiers: MedGen C4479313, MONDO:0033362, OMIM 617389.
Early-onset Parkinson disease 20. Also called: PARKINSON DISEASE 20, AUTOSOMAL RECESSIVE EARLY-ONSET. Identifiers: Orphanet 391411, MedGen C3809824, MONDO:0014233, OMIM 615530.

Allele frequency attached by ClinVar (database versions not stated): gnomAD exomes below 0.00001; TOPMed 0.00002.
gnomAD v4.1: 5 of 1,613,962 alleles (0.00031%); highest among the groups gnomAD compares: African/African-American, 0.0027%; no homozygotes.

Submission:

Labcorp Genetics (formerly Invitae), Labcorp
Classification: Uncertain significance for Developmental and epileptic encephalopathy, 53; Early-onset Parkinson disease 20. Last evaluated: 2022-06-13. Review status: criteria provided, single submitter. Criteria: Invitae Variant Classification Sherloc (09022015). Collection method: clinical testing. Allele origin: germline.
Comment: This sequence change replaces proline, which is neutral and non-polar, with threonine, which is neutral and polar, at codon 1317 of the SYNJ1 protein (p.Pro1317Thr). This variant is not present in population databases (gnomAD no frequency). This variant has not been reported in the literature in individuals affected with SYNJ1-related conditions. ClinVar contains an entry for this variant (Variation ID: 1056884). Algorithms developed to predict the effect of missense changes on protein structure and function (SIFT, PolyPhen-2, Align-GVGD) all suggest that this variant is likely to be tolerated. In summary, the available evidence is currently insufficient to determine the role of this variant in disease. Therefore, it has been classified as a Variant of Uncertain Significance.